The following is an entry in ClinVar:

ClinVar aggregate classification (germline): Uncertain significance (1 of 4 stars; one submission).

Submission:

GeneDx
Classification: Uncertain significance. Last evaluated: 2025-04-29. Review status: criteria provided, single submitter. Criteria: GeneDx Variant Classification Process June 2021. Collection method: clinical testing. Allele origin: germline. Affected: yes.
Comment: Not observed at significant frequency in large population cohorts (gnomAD); In silico analysis supports that this missense variant has a deleterious effect on protein structure/function; Has not been previously published as pathogenic or benign to our knowledge

NM_001256447.2(BCAP31):c.322T>A (p.Phe108Ile)

Gene: BCAP31 (B cell receptor associated protein 31; minus strand). Cytogenetic location: Xq28.
Variant type: single nucleotide variant.
Coding change: c.322T>A on transcript NM_001256447.2 (MANE Select); coding-DNA position 322, T replaced by A.
Protein change: p.Phe108Ile; replaces phenylalanine 108 with isoleucine.
Molecular consequence: missense variant.
Genome position (GRCh38, 1-based): chrX:153,715,561, A>T on the plus strand (T>A on the coding strand, the complement: BCAP31 is on the minus strand). VCF-style: chrX-153715561-A-T. GRCh37 (hg19) VCF-style: chrX-152981016-A-T.
Other names: c.322T>A, p.Phe108Ile (NM_001139441.1, NM_005745.8); c.523T>A, p.Phe175Ile (NM_001139457.2); short protein forms F108I, F175I.
Identifiers: ClinVar variation 4527786 (VCV004527786.1).
Genomic context (GRCh38, chrX:153,715,561, plus strand): 5'-GGCTCCTTTCACAGCACCTGCCCCCTCAACCCCCCACTCACAAGGACAGCAGCAAGGAAA[A>T]GCCAGCAATGTAGAGATTCCTCTGGGCACGGAAAAGCTTCATGTGGAAGTGCTCCATGGC-3'
Protein context (NP_001243376.1, residues 98-118): RAQRNLYIAG[Phe108Ile]SLLLSFLLRR